The following is an entry in ClinVar:

NM_000059.4(BRCA2):c.6279C>A (p.His2093Gln)

Gene: BRCA2 (BRCA2 DNA repair associated; plus strand). Cytogenetic location: 13q13.1.
Variant type: single nucleotide variant.
Coding change: c.6279C>A on transcript NM_000059.4 (MANE Select); coding-DNA position 6279, C replaced by A.
Protein change: p.His2093Gln; replaces histidine 2093 with glutamine.
Molecular consequence: missense variant.
Genome position (GRCh38, 1-based): chr13:32,340,634, C>A. VCF-style: chr13-32340634-C-A. GRCh37 (hg19) VCF-style: chr13-32914771-C-A.
Other names: short protein forms H2093Q.
Identifiers: ClinVar variation 574741 (VCV000574741.10), dbSNP rs1566234239, ClinGen allele CA387788987.

ClinVar aggregate classification (germline): Conflicting classifications of pathogenicity. Review status: criteria provided, conflicting classifications (1 of 4 stars). 2 submissions from 2 submitters: Uncertain significance (1); Likely benign (1). Last evaluated 2023-03-23.

Conditions:
Hereditary cancer-predisposing syndrome. Also called: Neoplastic Syndromes, Hereditary; Hereditary Cancer Syndrome; Tumor predisposition; Hereditary neoplastic syndrome. Identifiers: Orphanet 140162, MedGen C0027672, MeSH D009386, MONDO:0015356.
Hereditary breast ovarian cancer syndrome. Also called: BRCA1- and BRCA2-Associated Hereditary Breast and Ovarian Cancer; Hereditary breast and ovarian cancer; Hereditary breast and/or ovarian cancer syndrome; Hereditary breast and ovarian cancer syndrome; Hereditary breast and ovarian cancer syndrome (HBOC); Breast and ovarian cancer. Identifiers: Orphanet 145, MedGen C0677776, MeSH D061325, MONDO:0003582. Disease mechanism: loss of function.

Submissions (2):

University of Washington Department of Laboratory Medicine, University of Washington
Classification: Likely benign for Hereditary cancer-predisposing syndrome. Last evaluated: 2023-03-23. Review status: criteria provided, single submitter. Criteria: Dines et al. (Genet Med. 2020). Collection method: curation. Allele origin: germline.
Comment: Missense variant in a coldspot region where missense variants are very unlikely to be pathogenic (PMID:31911673).

BRCA2 exon 11 coldspot. Reclassification based on statistical prior probability.

Labcorp Genetics (formerly Invitae), Labcorp
Classification: Uncertain significance for Hereditary breast ovarian cancer syndrome. Last evaluated: 2018-05-15. Review status: criteria provided, single submitter. Criteria: Invitae Variant Classification Sherloc (09022015). Collection method: clinical testing. Allele origin: germline.
Comment: This variant is not present in population databases (ExAC no frequency). In summary, the available evidence is currently insufficient to determine the role of this variant in disease. Therefore, it has been classified as a Variant of Uncertain Significance. Algorithms developed to predict the effect of missense changes on protein structure and function output the following: SIFT: "Tolerated"; PolyPhen-2: "Benign"; Align-GVGD: "Class C0". The glutamine amino acid residue is found in multiple mammalian species, suggesting that this missense change does not adversely affect protein function. These predictions have not been confirmed by published functional studies and their clinical significance is uncertain. This variant has not been reported in the literature in individuals with BRCA2-related disease. This sequence change replaces histidine with glutamine at codon 2093 of the BRCA2 protein (p.His2093Gln). The histidine residue is weakly conserved and there is a small physicochemical difference between histidine and glutamine.